The following is an entry in ClinVar:

ClinVar aggregate classification (germline): Likely benign (1 of 4 stars; one submission).

Allele frequency attached by ClinVar (database versions not stated): 1000 Genomes Project 0.00180; 1000 Genomes Project 30x 0.00234; gnomAD 0.00390; ExAC 0.00391; ESP Exome Variant Server 0.00396; gnomAD exomes 0.00466.

Submission:

CeGaT Center for Human Genetics Tuebingen
Classification: Likely benign. Last evaluated: 2022-12-01. Review status: criteria provided, single submitter. Criteria: CeGaT Center For Human Genetics Tuebingen Variant Classification Criteria Version 2. Collection method: clinical testing. Allele origin: germline. Affected: yes. Observed: 1 variant allele.
Comment: LINC00221: BS2

NC_000014.9:g.106422120G>C

Genes: IGH (immunoglobulin heavy locus; minus strand), IGHV4-39 (immunoglobulin heavy variable 4-39; minus strand). Cytogenetic location: 14q32.33.
Variant type: single nucleotide variant.
Genome position: GRCh38 VCF-style: chr14-106422120-G-C. GRCh37 (hg19) VCF-style: chr14-106878028-G-C.
Identifiers: ClinVar variation 2644932 (VCV002644932.24), dbSNP rs367564154, ClinGen allele CA7412381.
Genomic context (GRCh38, chr14:106,422,120, plus strand): 5'-CAGCCTCCCATATCTCCATGTCTGCATCCTAGAAACACTCACATCTGGGAGCCGCCACCA[G>C]CAGGAGGAAGAACCACAGGTGCTTCATTTTCTTGCACATGAGATCCATGACTCTCAGAAA-3'